The following is an entry in ClinVar:

ClinVar aggregate classification (germline): Uncertain significance (1 of 4 stars; one submission).

gnomAD v4.1: 1 of 1,612,344 alleles (0.000062%); highest among the groups gnomAD compares: South Asian, 0.0011%; no homozygotes.

Submission:

Labcorp Genetics (formerly Invitae), Labcorp
Classification: Uncertain significance. Last evaluated: 2024-05-20. Review status: criteria provided, single submitter. Criteria: Invitae Variant Classification Sherloc (09022015). Collection method: clinical testing. Allele origin: germline.
Comment: This sequence change replaces valine, which is neutral and non-polar, with phenylalanine, which is neutral and non-polar, at codon 1074 of the LRP5 protein (p.Val1074Phe). The frequency data for this variant in the population databases is considered unreliable, as metrics indicate poor data quality at this position in the gnomAD database. This variant has not been reported in the literature in individuals affected with LRP5-related conditions. Advanced modeling of protein sequence and biophysical properties (such as structural, functional, and spatial information, amino acid conservation, physicochemical variation, residue mobility, and thermodynamic stability) has been performed at Invitae for this missense variant, however the output from this modeling did not meet the statistical confidence thresholds required to predict the impact of this variant on LRP5 protein function. In summary, the available evidence is currently insufficient to determine the role of this variant in disease. Therefore, it has been classified as a Variant of Uncertain Significance.

NM_002335.4(LRP5):c.3220G>T (p.Val1074Phe)

Gene: LRP5 (LDL receptor related protein 5; plus strand). Cytogenetic location: 11q13.2.
Variant type: single nucleotide variant.
Coding change: c.3220G>T on transcript NM_002335.4 (MANE Select); coding-DNA position 3220, G replaced by T.
Protein change: p.Val1074Phe; replaces valine 1074 with phenylalanine.
Molecular consequence: missense variant.
Genome position (GRCh38, 1-based): chr11:68,423,681, G>T. VCF-style: chr11-68423681-G-T. GRCh37 (hg19) VCF-style: chr11-68191149-G-T.
Other names: c.1477G>T, p.Val493Phe (NM_001291902.2); short protein forms V1074F, V493F.
Identifiers: ClinVar variation 3692603 (VCV003692603.2).